The following is an entry in ClinVar:

ClinVar aggregate classification (germline): Benign. Review status: criteria provided, single submitter (1 of 4 stars). 2 submissions from 2 submitters: Benign (1). 1 of the submissions does not count toward it. Last evaluated 2025-12-30.

Conditions:
TNS2-related disorder. Also called: TNS2-related condition.

Allele frequency attached by ClinVar (database versions not stated): 1000 Genomes Project 30x 0.00109; 1000 Genomes Project 0.00120; ESP Exome Variant Server 0.00185; gnomAD 0.00220; gnomAD exomes 0.00229; TOPMed 0.00242; ExAC 0.00254.
gnomAD v4.1: 3,722 of 1,614,014 alleles (0.23%); highest among the groups gnomAD compares: Middle Eastern, 0.71%; 9 homozygotes.

Submissions (2):

Labcorp Genetics (formerly Invitae), Labcorp
Classification: Benign. Last evaluated: 2025-12-30. Review status: criteria provided, single submitter. Criteria: Invitae Variant Classification Sherloc (09022015). Collection method: clinical testing. Allele origin: germline.

PreventionGenetics, part of Exact Sciences
Classification: Benign for TNS2-related condition. Last evaluated: 2020-10-27. Review status: no assertion criteria provided. Collection method: clinical testing. Allele origin: germline. Not counted in ClinVar's aggregate classification.
Comment: This variant is classified as benign based on ACMG/AMP sequence variant interpretation guidelines (Richards et al. 2015 PMID: 25741868, with internal and published modifications).

NM_170754.4(TNS2):c.223-10C>T

Genes: TNS2 (tensin 2; plus strand), TNS2-AS1 (TNS2 antisense RNA 1; minus strand). Cytogenetic location: 12q13.13.
Variant type: single nucleotide variant.
Coding change: c.223-10C>T on transcript NM_170754.4 (MANE Select); 10 bases into the intron before coding-DNA position 223, C replaced by T.
Molecular consequence: intron variant. On other transcripts: non-coding transcript variant (1).
Genome position (GRCh38, 1-based): chr12:53,053,401, C>T. VCF-style: chr12-53053401-C-T. GRCh37 (hg19) VCF-style: chr12-53447185-C-T.
Other names: c.253-10C>T (NM_015319.2); c.-150-10C>T (NM_198316.2); c.223-10C>T (NM_001416202.1, NM_001416204.1); c.154-10C>T (NM_001416203.1, NM_015319.3).
Identifiers: ClinVar variation 2047065 (VCV002047065.6), dbSNP rs138594065, ClinGen allele CA6591846.